The following is an entry in ClinVar:

ClinVar aggregate classification (germline): Likely benign. Review status: criteria provided, multiple submitters, no conflicts (2 of 4 stars). 3 submissions from 3 submitters: Likely benign (3). Last evaluated 2025-12-08.

Conditions:
DICER1-related tumor predisposition. Also called: DICER1-related pleuropulmonary blastoma cancer predisposition syndrome; DICER1 syndrome. Identifiers: Orphanet 284343, MedGen C3839822, MONDO:0100216.

Submissions (3):

Labcorp Genetics (formerly Invitae), Labcorp
Classification: Likely benign for DICER1-related tumor predisposition. Last evaluated: 2025-12-08. Review status: criteria provided, single submitter. Criteria: Invitae Variant Classification Sherloc (09022015). Collection method: clinical testing. Allele origin: germline.

GeneDx
Classification: Likely benign. Last evaluated: 2024-01-08. Review status: criteria provided, single submitter. Criteria: GeneDx Variant Classification Process June 2021. Collection method: clinical testing. Allele origin: germline. Affected: yes.
Comment: See Variant Classification Assertion Criteria.

ARUP Laboratories, Molecular Genetics and Genomics, ARUP Laboratories
Classification: Likely benign. Last evaluated: 2021-07-05. Review status: criteria provided, single submitter. Criteria: ARUP Molecular Germline Variant Investigation Process 2021. Collection method: clinical testing. Allele origin: germline.

NM_177438.3(DICER1):c.5365-7_5365-6del

Gene: DICER1 (dicer 1, ribonuclease III; minus strand). Cytogenetic location: 14q32.13.
Variant type: Deletion.
Coding change: c.5365-7_5365-6del on transcript NM_177438.3 (MANE Select); 7 bases into the intron before coding-DNA position 5365 through 6 bases into the intron before coding-DNA position 5365, 2 bases deleted (GT; older notation c.5365-7_5365-6delGT).
Molecular consequence: intron variant.
Genome position (GRCh38, 1-based): chr14:95,091,371-95,091,372, AC deleted on the plus strand (GT on the coding strand, the reverse complement: DICER1 is on the minus strand); deleting any 2 consecutive bases within chr14:95,091,371-95,091,373 gives the same sequence; the c. name uses the placement nearest the transcript's 3' end. VCF-style (leftmost placement, unchanged base first): chr14-95091370-TAC-T. GRCh37 (hg19) VCF-style: chr14-95557707-TAC-T.
Other names: c.5365-7_5365-6delGT (NM_177438.2); c.5365-7_5365-6del (NM_001291628.2, NM_030621.4, NM_001271282.3); c.5365-263_5365-262del (NM_001195573.1).
Identifiers: ClinVar variation 417108 (VCV000417108.20), dbSNP rs767777044, ClinGen allele CA7330671.